The following is an entry in ClinVar:

NM_001166108.2(PALLD):c.973G>A (p.Asp325Asn)

Gene: PALLD (palladin, cytoskeletal associated protein; plus strand). Cytogenetic location: 4q32.3.
Variant type: single nucleotide variant.
Coding change: c.973G>A on transcript NM_001166108.2 (MANE Select); coding-DNA position 973, G replaced by A.
Protein change: p.Asp325Asn; replaces aspartic acid 325 with asparagine.
Molecular consequence: missense variant. On other transcripts: 5 prime UTR variant (1).
Genome position (GRCh38, 1-based): chr4:168,668,254, G>A. VCF-style: chr4-168668254-G-A. GRCh37 (hg19) VCF-style: chr4-169589405-G-A.
Other names: c.-174G>A (NM_001166109.2); c.973G>A, p.Asp325Asn (NM_016081.4); short protein forms D325N.
Identifiers: ClinVar variation 1768050 (VCV001768050.3), dbSNP rs2531424860, ClinGen allele CA358793719.

ClinVar aggregate classification (germline): Uncertain significance (1 of 4 stars; one submission).

Submission:

Ambry Genetics
Classification: Uncertain significance. Last evaluated: 2024-05-24. Review status: criteria provided, single submitter. Criteria: Ambry Variant Classification Scheme 2023. Collection method: clinical testing. Allele origin: germline.
Comment: The p.D325N variant (also known as c.973G>A), located in coding exon 2 of the PALLD gene, results from a G to A substitution at nucleotide position 973. The aspartic acid at codon 325 is replaced by asparagine, an amino acid with highly similar properties. This amino acid position is conserved. In addition, this alteration is predicted to be tolerated by in silico analysis. Since supporting evidence is limited at this time, the clinical significance of this alteration remains unclear.